The following is an entry in ClinVar:

ClinVar aggregate classification (germline): Uncertain significance (1 of 4 stars; one submission).

Submission:

CeGaT Center for Human Genetics Tuebingen
Classification: Uncertain significance. Last evaluated: 2026-03-01. Review status: criteria provided, single submitter. Criteria: CeGaT Center For Human Genetics Tuebingen Variant Classification Criteria Version 2. Collection method: clinical testing. Allele origin: germline. Affected: yes. Observed: 1 variant allele.
Comment: KRIT1: PM2

NM_194454.3(KRIT1):c.521T>A (p.Ile174Asn)

Gene: KRIT1 (KRIT1 ankyrin repeat containing; minus strand). Cytogenetic location: 7q21.2.
Variant type: single nucleotide variant.
Coding change: c.521T>A on transcript NM_194454.3 (MANE Select); coding-DNA position 521, T replaced by A.
Protein change: p.Ile174Asn; replaces isoleucine 174 with asparagine.
Molecular consequence: missense variant. On other transcripts: 5 prime UTR variant (1).
Genome position (GRCh38, 1-based): chr7:92,235,611, A>T on the plus strand (T>A on the coding strand, the complement: KRIT1 is on the minus strand). VCF-style: chr7-92235611-A-T. GRCh37 (hg19) VCF-style: chr7-91864925-A-T.
Other names: c.521T>A, p.Ile174Asn (NM_001013406.2, NM_001350669.1, NM_001350670.1 and 29 more transcripts); c.-63T>A (NM_001350671.1); short protein forms I174N.
Identifiers: ClinVar variation 4823655 (VCV004823655.4).